The following is an entry in ClinVar:

NM_006231.4(POLE):c.662T>A (p.Met221Lys)

Gene: POLE (DNA polymerase epsilon, catalytic subunit; minus strand). Cytogenetic location: 12q24.33.
Variant type: single nucleotide variant.
Coding change: c.662T>A on transcript NM_006231.4 (MANE Select); coding-DNA position 662, T replaced by A.
Protein change: p.Met221Lys; replaces methionine 221 with lysine.
Molecular consequence: missense variant.
Genome position (GRCh38, 1-based): chr12:132,677,636, A>T on the plus strand (T>A on the coding strand, the complement: POLE is on the minus strand). VCF-style: chr12-132677636-A-T. GRCh37 (hg19) VCF-style: chr12-133254222-A-T.
Other names: short protein forms M221K.
Identifiers: ClinVar variation 3781565 (VCV003781565.1).
Genomic context (GRCh38, chr12:132,677,636, plus strand): 5'-ACCACGTGGATCTTCAGGTCAATGGAGAGGCGGATGTGGTAGGGAACATCGTACTCGCGC[A>T]TGTCCACAATGTTGTCCAACTGGTCAGCTATCTTCTTAGAGGTTTCCTCTTCATCAGTAA-3'
Protein context (NP_006222.2, residues 211-231): IADQLDNIVD[Met221Lys]REYDVPYHIR

ClinVar aggregate classification (germline): Uncertain significance (1 of 4 stars; one submission).

Conditions:
Hereditary cancer-predisposing syndrome. Also called: Neoplastic Syndromes, Hereditary; Hereditary Cancer Syndrome; Tumor predisposition; Hereditary neoplastic syndrome. Identifiers: Orphanet 140162, MedGen C0027672, MeSH D009386, MONDO:0015356.

Submission:

Ambry Genetics
Classification: Uncertain significance for Hereditary cancer-predisposing syndrome. Last evaluated: 2025-01-17. Review status: criteria provided, single submitter. Criteria: Ambry Variant Classification Scheme 2023. Collection method: clinical testing. Allele origin: germline.
Comment: The p.M221K variant (also known as c.662T>A), located in coding exon 7 of the POLE gene, results from a T to A substitution at nucleotide position 662. The methionine at codon 221 is replaced by lysine, an amino acid with similar properties. This amino acid position is conserved. In addition, the in silico prediction for this alteration is inconclusive. Based on the available evidence, the clinical significance of this variant remains unclear.